The following is an entry in ClinVar:

NM_001368809.2(AMPD2):c.1637C>T (p.Pro546Leu)

Genes: AMPD2 (adenosine monophosphate deaminase 2; plus strand), LOC126805822 (BRD4-independent group 4 enhancer GRCh37_chr1:110170748-110171947; plus strand). Cytogenetic location: 1p13.3.
Variant type: single nucleotide variant.
Coding change: c.1637C>T on transcript NM_001368809.2 (MANE Select); coding-DNA position 1637, C replaced by T.
Protein change: p.Pro546Leu; replaces proline 546 with leucine.
Molecular consequence: missense variant.
Genome position (GRCh38, 1-based): chr1:109,629,174, C>T. VCF-style: chr1-109629174-C-T. GRCh37 (hg19) VCF-style: chr1-110171796-C-T.
Other names: c.1799C>T, p.Pro600Leu (NM_001257360.2); c.1445C>T, p.Pro482Leu (NM_001257361.2); c.1574C>T, p.Pro525Leu (NM_001308170.1); c.1637C>T, p.Pro546Leu (NM_004037.9); c.1556C>T, p.Pro519Leu (NM_139156.4); short protein forms P482L, P525L, P600L, P519L, P546L.
Identifiers: ClinVar variation 1982499 (VCV001982499.4), dbSNP rs752519512, ClinGen allele CA993149.

ClinVar aggregate classification (germline): Uncertain significance (1 of 4 stars; one submission).

Conditions:
Hereditary spastic paraplegia 63. Also called: Spastic paraplegia 63, autosomal recessive. Identifiers: Orphanet 401805, MedGen C3810295, MONDO:0014305, OMIM 615686.
Pontocerebellar hypoplasia type 9. Identifiers: Orphanet 369920, MedGen C4014354, MONDO:0014351, OMIM 615809.

Allele frequency attached by ClinVar (database versions not stated): gnomAD exomes below 0.00001; TOPMed below 0.00001; ExAC 0.00002.

Submission:

Labcorp Genetics (formerly Invitae), Labcorp
Classification: Uncertain significance for Pontocerebellar hypoplasia type 9; Hereditary spastic paraplegia 63. Last evaluated: 2022-07-09. Review status: criteria provided, single submitter. Criteria: Invitae Variant Classification Sherloc (09022015). Collection method: clinical testing. Allele origin: germline.
Comment: Algorithms developed to predict the effect of missense changes on protein structure and function are either unavailable or do not agree on the potential impact of this missense change (SIFT: "Deleterious"; PolyPhen-2: "Probably Damaging"; Align-GVGD: "Class C0"). This sequence change replaces proline, which is neutral and non-polar, with leucine, which is neutral and non-polar, at codon 600 of the AMPD2 protein (p.Pro600Leu). This variant is present in population databases (rs752519512, gnomAD 0.002%). This variant has not been reported in the literature in individuals affected with AMPD2-related conditions. In summary, the available evidence is currently insufficient to determine the role of this variant in disease. Therefore, it has been classified as a Variant of Uncertain Significance.